The following is an entry in ClinVar:

NM_018129.4(PNPO):c.431G>A (p.Gly144Asp)

Gene: PNPO (pyridoxamine 5'-phosphate oxidase; plus strand). Cytogenetic location: 17q21.32.
Variant type: single nucleotide variant.
Coding change: c.431G>A on transcript NM_018129.4 (MANE Select); coding-DNA position 431, G replaced by A.
Protein change: p.Gly144Asp; replaces glycine 144 with aspartic acid.
Molecular consequence: missense variant.
Genome position (GRCh38, 1-based): chr17:47,945,874, G>A. VCF-style: chr17-47945874-G-A. GRCh37 (hg19) VCF-style: chr17-46023240-G-A.
Other names: short protein forms G144D.
Identifiers: ClinVar variation 1460779 (VCV001460779.8), dbSNP rs762554901, ClinGen allele CA8629196.
Genomic context (GRCh38, chr17:47,945,874, plus strand): 5'-GGGCAGGTGGCATTTAATGCCATTCACCCAGAGCCATCCCTGAGCAGGTGCGTGTGGAAG[G>A]CCCTGTGAAGAAACTGCCTGAGGAGGAGGCTGAGTGCTACTTCCACTCCCGCCCCAAGAG-3'
Protein context (NP_060599.1, residues 134-154): EPLNRQVRVE[Gly144Asp]PVKKLPEEEA

ClinVar aggregate classification (germline): Uncertain significance (1 of 4 stars; one submission).

Conditions:
Pyridoxal phosphate-responsive seizures (PNPOD). Also called: Pyridoxamine 5-Prime-Phosphate Oxidase Deficiency; Pyridoxine-5'-phosphate oxidase deficiency; EPILEPTIC ENCEPHALOPATHY, NEONATAL, PNPO-RELATED; SEIZURES, PYRIDOXINE-RESISTANT, PLP-SENSITIVE; Pyridoxal 5'-Phosphate (PLP)-Dependent Epilepsy. Identifiers: Orphanet 79096, MedGen C1864723, MONDO:0012407, OMIM 610090. Disease mechanism: loss of function.

Submission:

Labcorp Genetics (formerly Invitae), Labcorp
Classification: Uncertain significance for Pyridoxal phosphate-responsive seizures. Last evaluated: 2022-10-13. Review status: criteria provided, single submitter. Criteria: Invitae Variant Classification Sherloc (09022015). Collection method: clinical testing. Allele origin: germline.
Comment: In summary, the available evidence is currently insufficient to determine the role of this variant in disease. Therefore, it has been classified as a Variant of Uncertain Significance. Advanced modeling of protein sequence and biophysical properties (such as structural, functional, and spatial information, amino acid conservation, physicochemical variation, residue mobility, and thermodynamic stability) performed at Invitae indicates that this missense variant is expected to disrupt PNPO protein function. ClinVar contains an entry for this variant (Variation ID: 1460779). This variant has not been reported in the literature in individuals affected with PNPO-related conditions. This variant is not present in population databases (gnomAD no frequency). This sequence change replaces glycine, which is neutral and non-polar, with aspartic acid, which is acidic and polar, at codon 144 of the PNPO protein (p.Gly144Asp).